The following is an entry in ClinVar:

ClinVar aggregate classification (germline): Uncertain significance. Review status: criteria provided, multiple submitters, no conflicts (2 of 4 stars). 2 submissions from 2 submitters: Uncertain significance (2). Last evaluated 2024-05-10.

Conditions:
Hereditary cancer-predisposing syndrome. Also called: Hereditary Cancer Syndrome; Hereditary neoplastic syndrome; Neoplastic Syndromes, Hereditary; Tumor predisposition. Identifiers: Orphanet 140162, MedGen C0027672, MeSH D009386, MONDO:0015356.

Submissions (3):

Ambry Genetics
Classification: Uncertain significance for Hereditary cancer-predisposing syndrome. Last evaluated: 2024-05-10. Review status: criteria provided, single submitter. Criteria: Ambry Variant Classification Scheme 2023. Collection method: clinical testing. Allele origin: germline.
Comment: The p.V1719M variant (also known as c.5155G>A), located in coding exon 17 of the BRCA1 gene, results from a G to A substitution at nucleotide position 5155. The valine at codon 1719 is replaced by methionine, an amino acid with highly similar properties. One functional study found that this nucleotide substitution is functional in a high throughput genome editing haploid cell survival assay (Findlay GM et al. Nature, 2018 Oct;562:217-222). This amino acid position is highly conserved in available vertebrate species. In addition, this alteration is predicted to be deleterious by in silico analysis. Based on the available evidence, the clinical significance of this variant remains unclear.

Women's Health and Genetics/Laboratory Corporation of America, LabCorp
Classification: Uncertain significance. Last evaluated: 2019-06-03. Review status: criteria provided, single submitter. Criteria: LabCorp Variant Classification Summary - May 2015. Collection method: clinical testing. Allele origin: germline.
Comment: Variant summary: BRCA1 c.5155G>A (p.Val1719Met) results in a conservative amino acid change located in the BRCT domain of the encoded protein sequence. Four of five in-silico tools predict a damaging effect of the variant on protein function. The variant was absent in 250912 control chromosomes (gnomAD). The available data on variant occurrences in the general population are insufficient to allow any conclusion about variant significance. c.5155G>A has been reported in the literature as a somatic occurrence (Pishvaian_2017). This report does not provide an unequivocal conclusion about association of the variant with Hereditary Breast and Ovarian Cancer. To our knowledge, no experimental evidence demonstrating an impact on protein function has been reported. No clinical diagnostic laboratories have submitted clinical-significance assessments for this variant to ClinVar after 2014. Based on the evidence outlined above, the variant was classified as uncertain significance.

Brotman Baty Institute, University of Washington
No classification provided (evidence only). Condition: Breast-ovarian cancer, familial 1. Review status: no classification provided. Collection method: in vitro. Allele origin: not applicable. Functional consequence: functionally_normal. Not counted in ClinVar's aggregate classification.
ClinVar note: "not provided" was previously submitted as the classification for the variant. However, the classification appeared to be based only on an observation of functional data so it was converted to no classification on 2025-07-30.

Literature cited by the submitters: PubMed 30209399 (cited by Ambry Genetics); PubMed 29137355 (cited by Women's Health and Genetics/Laboratory Corporation of America, LabCorp).

NM_007294.4(BRCA1):c.5155G>A (p.Val1719Met)

Gene: BRCA1 (BRCA1 DNA repair associated; minus strand). Cytogenetic location: 17q21.31.
Variant type: single nucleotide variant.
Coding change: c.5155G>A on transcript NM_007294.4 (MANE Select); coding-DNA position 5155, G replaced by A.
Protein change: p.Val1719Met; replaces valine 1719 with methionine.
Molecular consequence: missense variant. On other transcripts: non-coding transcript variant (1).
Genome position (GRCh38, 1-based): chr17:43,063,371, C>T on the plus strand (G>A on the coding strand, the complement: BRCA1 is on the minus strand). VCF-style: chr17-43063371-C-T. GRCh37 (hg19) VCF-style: chr17-41215388-C-T.
Other names: c.4942G>A, p.Val1648Met (NM_001407571.1, NM_001407894.1, NM_001407895.1 and 12 more transcripts); c.5221G>A, p.Val1741Met (NM_001407581.1, NM_001407582.1); c.5218G>A, p.Val1740Met (NM_001407583.1, NM_001407585.1, NM_001407587.1 and 1 more transcripts); c.5215G>A, p.Val1739Met (NM_001407590.1, NM_001407591.1); c.5155G>A, p.Val1719Met (NM_001407593.1, NM_001407594.1, NM_001407596.1 and 7 more transcripts); c.5152G>A, p.Val1718Met (NM_001407617.1, NM_001407618.1, NM_001407619.1 and 17 more transcripts); c.5149G>A, p.Val1717Met (NM_001407636.1, NM_001407637.1, NM_001407638.1 and 14 more transcripts); c.5146G>A, p.Val1716Met (NM_001407644.1, NM_001407645.1); and 72 more; short protein forms V1719M, V1672M, V615M, V1740M, V1423M, V1550M, V1565M, V1590M.
Identifiers: ClinVar variation 825488 (VCV000825488.9), dbSNP rs749465132, ClinGen allele CA10591233.
Genomic context (GRCh38, chr17:43,063,371, plus strand): 5'-GTTTGTAACATCAAGTACTTACCTCATTCAGCATTTTTCTTTCTTTAATAGACTGGGTCA[C>T]CCCTAAAGAGATCATAGAAAAGACAGGTTACATACAGCAGAAGAACGTGCTCTTTTCACG-3'
Protein context (NP_009225.1, residues 1709-1729): GGKWVVSYFW[Val1719Met]TQSIKERKML